The following is an entry in ClinVar:

NM_020693.4(DSCAML1):c.4248C>T (p.Phe1416=)

Gene: DSCAML1 (DS cell adhesion molecule like 1; minus strand). Cytogenetic location: 11q23.3.
Variant type: single nucleotide variant.
Coding change: c.4248C>T on transcript NM_020693.4 (MANE Select); coding-DNA position 4248, C replaced by T.
Protein change: p.Phe1416=; no amino-acid change (phenylalanine 1416 retained).
Molecular consequence: synonymous variant.
Genome position (GRCh38, 1-based): chr11:117,438,079, G>A on the plus strand (C>T on the coding strand, the complement: DSCAML1 is on the minus strand). VCF-style: chr11-117438079-G-A. GRCh37 (hg19) VCF-style: chr11-117308795-G-A.
Other names: c.4428C>T (NM_020693.3).
Identifiers: ClinVar variation 1600414 (VCV001600414.11), dbSNP rs2253440, ClinGen allele CA6296422.

ClinVar aggregate classification (germline): Benign. Review status: criteria provided, multiple submitters, no conflicts (2 of 4 stars). 3 submissions from 3 submitters: Benign (2). 1 of the submissions does not count toward it. Last evaluated 2026-02-04.

Conditions:
DSCAML1-related disorder. Also called: DSCAML1-related condition.

Allele frequency attached by ClinVar (database versions not stated): 1000 Genomes Project 0.16434; TOPMed 0.19726; gnomAD exomes 0.19983 and 0.22442; ExAC 0.20462; gnomAD 0.20750 and 0.20737; ESP Exome Variant Server 0.22495; 1000 Genomes Project 30x 0.16521.
gnomAD v4.1: 357,579 of 1,608,470 alleles (22%); highest among the groups gnomAD compares: South Asian, 24%; 40,980 homozygotes.

Submissions (3):

Labcorp Genetics (formerly Invitae), Labcorp
Classification: Benign. Last evaluated: 2026-02-04. Review status: criteria provided, single submitter. Criteria: Invitae Variant Classification Sherloc (09022015). Collection method: clinical testing. Allele origin: germline.

Breakthrough Genomics
Classification: Benign. Review status: criteria provided, single submitter. Criteria: ACMG Guidelines, 2015. Collection method: not provided. Allele origin: germline. Inheritance: Unknown mechanism. Affected: yes.

PreventionGenetics, part of Exact Sciences
Classification: Benign for DSCAML1-related condition. Last evaluated: 2019-10-28. Review status: no assertion criteria provided. Collection method: clinical testing. Allele origin: germline. Not counted in ClinVar's aggregate classification.
Comment: This variant is classified as benign based on ACMG/AMP sequence variant interpretation guidelines (Richards et al. 2015 PMID: 25741868, with internal and published modifications).